The following is an entry in ClinVar:

ClinVar aggregate classification (germline): Uncertain significance. Review status: criteria provided, multiple submitters, no conflicts (2 of 4 stars). 4 submissions from 4 submitters: Uncertain significance (4). Last evaluated 2025-11-27.

Conditions:
Arrhythmogenic right ventricular dysplasia 12. Also called: ARRHYTHMOGENIC RIGHT VENTRICULAR DYSPLASIA, FAMILIAL, 12. Identifiers: MedGen C1969081, MONDO:0012684, OMIM 611528.
Naxos disease (NXD). Also called: KERATOSIS PALMOPLANTARIS WITH ARRHYTHMOGENIC CARDIOMYOPATHY; MAL DE NAXOS; PALMOPLANTAR KERATODERMA WITH ARRHYTHMOGENIC RIGHT VENTRICULAR CARDIOMYOPATHY AND WOOLLY HAIR; WOOLLY HAIR, PALMOPLANTAR KERATODERMA, AND CARDIAC ABNORMALITIES; CARDIOMYOPATHY, ARRHYTHMOGENIC RIGHT VENTRICULAR, WITH SKIN, HAIR, AND NAIL ABNORMALITIES. Identifiers: Orphanet 34217, MedGen C1832600, MONDO:0011017, OMIM 601214.

Allele frequency attached by ClinVar (database versions not stated): gnomAD exomes below 0.00001 and 0.00001; ExAC 0.00001; TOPMed 0.00001.
gnomAD v4.1: 6 of 1,613,926 alleles (0.00037%); highest among the groups gnomAD compares: East Asian, 0.0022%; no homozygotes.

Submissions (4):

Labcorp Genetics (formerly Invitae), Labcorp
Classification: Uncertain significance for Arrhythmogenic right ventricular dysplasia 12; Naxos disease. Last evaluated: 2025-11-27. Review status: criteria provided, single submitter. Criteria: Invitae Variant Classification Sherloc (09022015). Collection method: clinical testing. Allele origin: germline.
Comment: This sequence change replaces serine, which is neutral and polar, with leucine, which is neutral and non-polar, at codon 24 of the JUP protein (p.Ser24Leu). This variant is present in population databases (rs782460555, gnomAD 0.006%). This variant has not been reported in the literature in individuals affected with JUP-related conditions. ClinVar contains an entry for this variant (Variation ID: 201806). An algorithm developed to predict the effect of missense changes on protein structure and function (PolyPhen-2) suggests that this variant is likely to be disruptive. In summary, the available evidence is currently insufficient to determine the role of this variant in disease. Therefore, it has been classified as a Variant of Uncertain Significance.

Clinical Genetics Laboratory, Skane University Hospital Lund
Classification: Uncertain significance. Last evaluated: 2022-05-27. Review status: criteria provided, single submitter. Criteria: ACMG Guidelines, 2015. Collection method: clinical testing. Allele origin: germline. Affected: yes.

Fulgent Genetics
Classification: Uncertain significance for Naxos disease; Arrhythmogenic right ventricular dysplasia 12. Last evaluated: 2021-09-01. Review status: criteria provided, single submitter. Criteria: ACMG Guidelines, 2015. Collection method: clinical testing. Allele origin: unknown.

GeneDx
Classification: Uncertain significance. Last evaluated: 2020-07-23. Review status: criteria provided, single submitter. Criteria: GeneDx Variant Classification Process June 2021. Collection method: clinical testing. Allele origin: germline. Affected: yes.
Comment: Has not been previously published as pathogenic or benign to our knowledge; Not observed at a significant frequency in large population cohorts (Lek et al., 2016); In silico analysis supports that this missense variant has a deleterious effect on protein structure/function

NM_002230.4(JUP):c.71C>T (p.Ser24Leu)

Gene: JUP (junction plakoglobin; minus strand). Cytogenetic location: 17q21.2.
Variant type: single nucleotide variant.
Coding change: c.71C>T on transcript NM_002230.4 (MANE Select); coding-DNA position 71, C replaced by T.
Protein change: p.Ser24Leu; replaces serine 24 with leucine.
Molecular consequence: missense variant.
Genome position (GRCh38, 1-based): chr17:41,771,784, G>A on the plus strand (C>T on the coding strand, the complement: JUP is on the minus strand). VCF-style: chr17-41771784-G-A. GRCh37 (hg19) VCF-style: chr17-39928036-G-A.
Other names: p.S24L:TCG>TTG; c.71C>T, p.Ser24Leu (NM_001352773.2, NM_001352774.2, NM_001352775.2 and 3 more transcripts); c.71C>T (NM_001352776.1); short protein forms S24L.
Identifiers: ClinVar variation 201806 (VCV000201806.10), dbSNP rs782460555, ClinGen allele CA308436.
Genomic context (GRCh38, chr17:41,771,784, plus strand): 5'-TCCATGATGCCCTTGCTGCTGACGGAGGGCACGCAGGTGTTGGCGCCCGAGTGGATACCC[G>A]AGTCGTAGGTGTATGTCTGCTGCCACTCAGTCACCTTGATAGGCTGCTCCATCAGGTTCA-3'
Protein context (NP_002221.1, residues 14-34): TEWQQTYTYD[Ser24Leu]GIHSGANTCV